The following is an entry in ClinVar:

NM_000321.3(RB1):c.26C>G (p.Thr9Arg)

Gene: RB1 (RB transcriptional corepressor 1; plus strand). Cytogenetic location: 13q14.2.
Variant type: single nucleotide variant.
Coding change: c.26C>G on transcript NM_000321.3 (MANE Select); coding-DNA position 26, C replaced by G.
Protein change: p.Thr9Arg; replaces threonine 9 with arginine.
Molecular consequence: missense variant.
Genome position (GRCh38, 1-based): chr13:48,303,938, C>G. VCF-style: chr13-48303938-C-G. GRCh37 (hg19) VCF-style: chr13-48878074-C-G.
Other names: short protein forms T9R.
Identifiers: ClinVar variation 1047091 (VCV001047091.10), dbSNP rs1952051803, ClinGen allele CA388250182.

ClinVar aggregate classification (germline): Uncertain significance (1 of 4 stars; one submission).

Conditions:
Retinoblastoma (RB1). Also called: RETINOBLASTOMA, SOMATIC. Identifiers: Orphanet 790, MedGen C0035335, MeSH D012175, MONDO:0008380, OMIM 180200, HP:0009919. Disease mechanism: loss of function. Inheritance: Both sporadic and heritable forms are tested..

gnomAD v4.1: 1 of 1,509,898 alleles (0.000066%); highest among the groups gnomAD compares: Non-Finnish European, 0.000088%; no homozygotes.

Submission:

Labcorp Genetics (formerly Invitae), Labcorp
Classification: Uncertain significance for Retinoblastoma. Last evaluated: 2024-12-16. Review status: criteria provided, single submitter. Criteria: Invitae Variant Classification Sherloc (09022015). Collection method: clinical testing. Allele origin: germline.
Comment: This sequence change replaces threonine, which is neutral and polar, with arginine, which is basic and polar, at codon 9 of the RB1 protein (p.Thr9Arg). This variant is not present in population databases (gnomAD no frequency). This variant has not been reported in the literature in individuals affected with RB1-related conditions. ClinVar contains an entry for this variant (Variation ID: 1047091). Invitae Evidence Modeling of protein sequence and biophysical properties (such as structural, functional, and spatial information, amino acid conservation, physicochemical variation, residue mobility, and thermodynamic stability) has been performed for this missense variant. However, the output from this modeling did not meet the statistical confidence thresholds required to predict the impact of this variant on RB1 protein function. In summary, the available evidence is currently insufficient to determine the role of this variant in disease. Therefore, it has been classified as a Variant of Uncertain Significance.